The following is an entry in ClinVar:

ClinVar aggregate classification (germline): Uncertain significance (0 of 4 stars; one submission).

Conditions:
TTN-related disorder. Also called: TTN-related condition; TTN-related disease; TTN-related disorders.

Allele frequency attached by ClinVar (database versions not stated): gnomAD exomes below 0.00001; ExAC 0.00001.
gnomAD v4.1: 1 of 1,612,570 alleles (0.000062%); highest among the groups gnomAD compares: Middle Eastern, 0.017%; no homozygotes.

Submission:

PreventionGenetics, part of Exact Sciences
Classification: Uncertain significance for TTN-related condition. Last evaluated: 2023-10-30. Review status: no assertion criteria provided. Collection method: clinical testing. Allele origin: germline.
Comment: The TTN c.24278T>C variant is predicted to result in the amino acid substitution p.Met8093Thr. To our knowledge, this variant has not been reported in the literature. This variant is reported in 0.00090% of alleles in individuals of European (Non-Finnish) descent in gnomAD. At this time, the clinical significance of this variant is uncertain due to the absence of conclusive functional and genetic evidence.

NM_001267550.2(TTN):c.24278T>C (p.Met8093Thr)

Gene: TTN (titin; minus strand). Cytogenetic location: 2q31.2.
Variant type: single nucleotide variant.
Coding change: c.24278T>C on transcript NM_001267550.2 (MANE Select); coding-DNA position 24278, T replaced by C.
Protein change: p.Met8093Thr; replaces methionine 8093 with threonine.
Molecular consequence: missense variant. On other transcripts: intron variant (3).
Genome position (GRCh38, 1-based): chr2:178,718,922, A>G on the plus strand (T>C on the coding strand, the complement: TTN is on the minus strand). VCF-style: chr2-178718922-A-G. GRCh37 (hg19) VCF-style: chr2-179583649-A-G.
Other names: c.23327T>C, p.Met7776Thr (NM_001256850.1); c.20546T>C, p.Met6849Thr (NM_133378.4); c.13282+19160T>C (NM_003319.4); c.13858+19160T>C (NM_133437.4); c.13657+19160T>C (NM_133432.3); short protein forms M6849T, M7776T, M8093T.
Identifiers: ClinVar variation 3031707 (VCV003031707.2), dbSNP rs773993718, ClinGen allele CA2000456.